The following is an entry in ClinVar:

NM_206933.4(USH2A):c.707C>A (p.Pro236His)

Gene: USH2A (usherin; minus strand). Cytogenetic location: 1q41.
Variant type: single nucleotide variant.
Coding change: c.707C>A on transcript NM_206933.4 (MANE Select); coding-DNA position 707, C replaced by A.
Protein change: p.Pro236His; replaces proline 236 with histidine.
Molecular consequence: missense variant.
Genome position (GRCh38, 1-based): chr1:216,365,030, G>T on the plus strand (C>A on the coding strand, the complement: USH2A is on the minus strand). VCF-style: chr1-216365030-G-T. GRCh37 (hg19) VCF-style: chr1-216538372-G-T.
Other names: c.707C>A, p.Pro236His (NM_007123.6); short protein forms P236H.
Identifiers: ClinVar variation 2803449 (VCV002803449.3), dbSNP rs2038567883, ClinGen allele CA344908223.

ClinVar aggregate classification (germline): Uncertain significance (1 of 4 stars; one submission).

gnomAD v4.1: 1 of 1,613,652 alleles (0.000062%); highest among the groups gnomAD compares: East Asian, 0.0022%; no homozygotes.

Submission:

Labcorp Genetics (formerly Invitae), Labcorp
Classification: Uncertain significance. Last evaluated: 2023-08-11. Review status: criteria provided, single submitter. Criteria: Invitae Variant Classification Sherloc (09022015). Collection method: clinical testing. Allele origin: germline.
Comment: This sequence change replaces proline, which is neutral and non-polar, with histidine, which is basic and polar, at codon 236 of the USH2A protein (p.Pro236His). This variant is not present in population databases (gnomAD no frequency). This missense change has been observed in individual(s) with clinical features of retinitis pigmentosa (PMID: 34448047). Advanced modeling of protein sequence and biophysical properties (such as structural, functional, and spatial information, amino acid conservation, physicochemical variation, residue mobility, and thermodynamic stability) performed at Invitae indicates that this missense variant is not expected to disrupt USH2A protein function. In summary, the available evidence is currently insufficient to determine the role of this variant in disease. Therefore, it has been classified as a Variant of Uncertain Significance.

Literature cited by the submitters: PubMed 34448047.